The following is an entry in ClinVar:

ClinVar aggregate classification (germline): Uncertain significance (1 of 4 stars; one submission).

Conditions:
Neurofibromatosis, type 1 (NF1). Also called: Neurofibromatosis, type I; NEUROFIBROMATOSIS, TYPE I, SOMATIC; Peripheral type neurofibromatosis; VON RECKLINGHAUSEN DISEASE. Identifiers: Orphanet 636, MedGen C0027831, MONDO:0018975, OMIM 162200. Disease mechanism: loss of function.

Submission:

Labcorp Genetics (formerly Invitae), Labcorp
Classification: Uncertain significance for Neurofibromatosis, type 1. Last evaluated: 2023-06-01. Review status: criteria provided, single submitter. Criteria: Invitae Variant Classification Sherloc (09022015). Collection method: clinical testing. Allele origin: germline.
Comment: This sequence change replaces leucine, which is neutral and non-polar, with isoleucine, which is neutral and non-polar, at codon 2082 of the NF1 protein (p.Leu2082Ile). In summary, the available evidence is currently insufficient to determine the role of this variant in disease. Therefore, it has been classified as a Variant of Uncertain Significance. This variant disrupts the p.Leu2082 amino acid residue in NF1. Other variant(s) that disrupt this residue have been determined to be pathogenic (Invitae). This suggests that this residue is clinically significant, and that variants that disrupt this residue are likely to be disease-causing. Advanced modeling of protein sequence and biophysical properties (such as structural, functional, and spatial information, amino acid conservation, physicochemical variation, residue mobility, and thermodynamic stability) has been performed at Invitae for this missense variant, however the output from this modeling did not meet the statistical confidence thresholds required to predict the impact of this variant on NF1 protein function. This variant has not been reported in the literature in individuals affected with NF1-related conditions. This variant is not present in population databases (gnomAD no frequency).

NM_001042492.3(NF1):c.6307C>A (p.Leu2103Ile)

Gene: NF1 (neurofibromin 1; plus strand). Cytogenetic location: 17q11.2.
Variant type: single nucleotide variant.
Coding change: c.6307C>A on transcript NM_001042492.3 (MANE Select); coding-DNA position 6307, C replaced by A.
Protein change: p.Leu2103Ile; replaces leucine 2103 with isoleucine.
Molecular consequence: missense variant.
Genome position (GRCh38, 1-based): chr17:31,336,794, C>A. VCF-style: chr17-31336794-C-A. GRCh37 (hg19) VCF-style: chr17-29663812-C-A.
Other names: c.6244C>A, p.Leu2082Ile (NM_000267.4); short protein forms L2103I, L2082I.
Identifiers: ClinVar variation 2867010 (VCV002867010.3), dbSNP rs1555534719, ClinGen allele CA399012253.